The following is an entry in ClinVar:

ClinVar aggregate classification (germline): Uncertain significance. Review status: criteria provided, multiple submitters, no conflicts (2 of 4 stars). 4 submissions from 4 submitters: Uncertain significance (3). 1 of the submissions does not count toward it. Last evaluated 2026-04-06.

Conditions:
Early-onset generalized limb-onset dystonia. Also called: DYT-TOR1A; DYSTONIA 1, TORSION, AUTOSOMAL DOMINANT; Early onset torsion dystonia; Dystonia 1, modifier of; Oppenheim's dystonia; DYSTONIA MUSCULORUM DEFORMANS 1. Identifiers: Orphanet 256, MedGen C1851945, MONDO:0007492, OMIM 128100.
Arthrogryposis multiplex congenita 5. Identifiers: MedGen C5436453, MONDO:0100218, OMIM 618947.

Allele frequency attached by ClinVar (database versions not stated): 1000 Genomes Project 30x 0.00016; gnomAD 0.00003; gnomAD exomes 0.00007 and 0.00002; 1000 Genomes Project 0.00020; TOPMed 0.00002; ExAC 0.00007.

Submissions (4):

GeneDx
Classification: Uncertain significance. Last evaluated: 2026-04-06. Review status: criteria provided, single submitter. Criteria: GeneDx Variant Classification Process June 2021. Collection method: clinical testing. Allele origin: germline.
Comment: In silico analysis suggests that this missense variant does not alter protein structure/function; This variant is associated with the following publications: (PMID: 26297380, 39569852)

Fulgent Genetics
Classification: Uncertain significance for Early-onset generalized limb-onset dystonia; Arthrogryposis multiplex congenita 5. Last evaluated: 2021-08-11. Review status: criteria provided, single submitter. Criteria: ACMG Guidelines, 2015. Collection method: clinical testing. Allele origin: unknown.

Neuberg Centre For Genomic Medicine, NCGM
Classification: Uncertain significance for Early-onset generalized limb-onset dystonia. Review status: criteria provided, single submitter. Criteria: ACMG Guidelines, 2015. Collection method: clinical testing. Allele origin: germline. Inheritance: Autosomal dominant inheritance. Affected: yes.
Comment: The missense c.385G>A(p.Val129Ile) variant in TOR1A gene has been reported in heterozygous state in individuals affected with DYT1 dystonia (Dobričić V, et.al., 2015). This variant is present with an allele frequency of 0.007% in gnomAD Exomes. This variant has been reported to the ClinVar database as Uncertain significance. This variant has been observed to segregate with disease in related individuals (Carmona J, et. al., 2003). Multiple lines of computational evidence (Polyphen - Probably Damaging, SIFT - Damaging and MutationTaster - Disease causing) predict damaging effect on protein structure and function for this variant. The reference amino acid at this position in TOR1A is predicted as conserved by GERP++ and PhyloP across 100 vertebrates. For these reasons, this variant has been classified as Variant of Uncertain Significance (VUS).

GeneReviews
No classification provided. Condition: Early-onset generalized limb-onset dystonia. Review status: no classification provided. Collection method: literature only. Allele origin: germline. Affected: yes. Not counted in ClinVar's aggregate classification.

Literature cited by the submitters: NCBI Bookshelf NBK1492 (cited by GeneReviews).

NM_000113.3(TOR1A):c.385G>A (p.Val129Ile)

Gene: TOR1A (torsin family 1 member A; minus strand). Cytogenetic location: 9q34.11.
Variant type: single nucleotide variant.
Coding change: c.385G>A on transcript NM_000113.3 (MANE Select); coding-DNA position 385, G replaced by A.
Protein change: p.Val129Ile; replaces valine 129 with isoleucine.
Molecular consequence: missense variant.
Genome position (GRCh38, 1-based): chr9:129,822,640, C>T on the plus strand (G>A on the coding strand, the complement: TOR1A is on the minus strand). VCF-style: chr9-129822640-C-T. GRCh37 (hg19) VCF-style: chr9-132584919-C-T.
Other names: short protein forms V129I.
Identifiers: ClinVar variation 268214 (VCV000268214.6), dbSNP rs529094238, ClinGen allele CA5278695.